The following is an entry in ClinVar:

ClinVar aggregate classification (germline): Uncertain significance (1 of 4 stars; one submission).

Conditions:
Hereditary spastic paraplegia 11. Also called: Spastic Paraplegia 11; Nakamura Osame syndrome; Autosomal recessive hereditary spastic paraplegia, mental impairment, and thin corpus callosum; Spastic paraplegia, mental retardation and thin corpus callosum; SPASTIC PARAPLEGIA, AUTOSOMAL RECESSIVE, COMPLICATED, WITH THIN CORPUS CALLOSUM; SPASTIC PARAPLEGIA, AUTOSOMAL RECESSIVE, WITH MENTAL IMPAIRMENT AND THIN CORPUS CALLOSUM. Identifiers: Orphanet 2822, MedGen C1858479, MONDO:0011445, OMIM 604360.

Submission:

Labcorp Genetics (formerly Invitae), Labcorp
Classification: Uncertain significance for Hereditary spastic paraplegia 11. Last evaluated: 2019-07-12. Review status: criteria provided, single submitter. Criteria: Invitae Variant Classification Sherloc (09022015). Collection method: clinical testing. Allele origin: germline.
Comment: Algorithms developed to predict the effect of missense changes on protein structure and function (SIFT, PolyPhen-2, Align-GVGD) all suggest that this variant is likely to be tolerated, but these predictions have not been confirmed by published functional studies and their clinical significance is uncertain. In summary, the available evidence is currently insufficient to determine the role of this variant in disease. Therefore, it has been classified as a Variant of Uncertain Significance. Algorithms developed to predict the effect of sequence changes on RNA splicing suggest that this variant may create or strengthen a splice site, but this prediction has not been confirmed by published transcriptional studies. This variant has not been reported in the literature in individuals with SPG11-related conditions. This variant is not present in population databases (ExAC no frequency). This sequence change replaces isoleucine with phenylalanine at codon 900 of the SPG11 protein (p.Ile900Phe). The isoleucine residue is moderately conserved and there is a small physicochemical difference between isoleucine and phenylalanine.

NM_025137.4(SPG11):c.2698A>T (p.Ile900Phe)

Gene: SPG11 (SPG11 vesicle trafficking associated, spatacsin; minus strand). Cytogenetic location: 15q21.1.
Variant type: single nucleotide variant.
Coding change: c.2698A>T on transcript NM_025137.4 (MANE Select); coding-DNA position 2698, A replaced by T.
Protein change: p.Ile900Phe; replaces isoleucine 900 with phenylalanine.
Molecular consequence: missense variant.
Genome position (GRCh38, 1-based): chr15:44,620,326, T>A on the plus strand (A>T on the coding strand, the complement: SPG11 is on the minus strand). VCF-style: chr15-44620326-T-A. GRCh37 (hg19) VCF-style: chr15-44912524-T-A.
Other names: c.2698A>T, p.Ile900Phe (NM_001160227.2); short protein forms I900F.
Identifiers: ClinVar variation 947551 (VCV000947551.9), dbSNP rs1239083839, ClinGen allele CA392230823.